The following is an entry in ClinVar:

NM_007289.4(MME):c.958-3C>G

Gene: MME (membrane metalloendopeptidase; plus strand). Cytogenetic location: 3q25.2.
Variant type: single nucleotide variant.
Coding change: c.958-3C>G on transcript NM_007289.4 (MANE Select); 3 bases into the intron before coding-DNA position 958, C replaced by G.
Molecular consequence: intron variant.
Genome position (GRCh38, 1-based): chr3:155,141,988, C>G. VCF-style: chr3-155141988-C-G. GRCh37 (hg19) VCF-style: chr3-154859777-C-G.
Other names: c.958-3C>G (NM_001354642.2, NM_000902.5, NM_007287.4 and 2 more transcripts).
Identifiers: ClinVar variation 1518569 (VCV001518569.4), dbSNP rs1468691508, ClinGen allele CA901056508.

ClinVar aggregate classification (germline): Uncertain significance (1 of 4 stars; one submission).

Allele frequency attached by ClinVar (database versions not stated): TOPMed below 0.00001.
gnomAD v4.1: 1 of 1,613,418 alleles (0.000062%); highest among the groups gnomAD compares: Non-Finnish European, 0.000085%; no homozygotes.

Submission:

Labcorp Genetics (formerly Invitae), Labcorp
Classification: Uncertain significance. Last evaluated: 2021-07-01. Review status: criteria provided, single submitter. Criteria: Invitae Variant Classification Sherloc (09022015). Collection method: clinical testing. Allele origin: germline.
Comment: This sequence change falls in intron 10 of the MME gene. It does not directly change the encoded amino acid sequence of the MME protein. It affects a nucleotide within the consensus splice site of the intron. In summary, the available evidence is currently insufficient to determine the role of this variant in disease. Therefore, it has been classified as a Variant of Uncertain Significance. Nucleotide substitutions within the consensus splice site are a relatively common cause of aberrant splicing (PMID: 17576681, 9536098). Algorithms developed to predict the effect of sequence changes on RNA splicing suggest that this variant may disrupt the consensus splice site. This variant has not been reported in the literature in individuals affected with MME-related conditions. This variant is not present in population databases (ExAC no frequency).

Literature cited by the submitters: PubMed 17576681; PubMed 9536098.